The following is an entry in ClinVar:

ClinVar aggregate classification (germline): Pathogenic (1 of 4 stars; one submission).

Conditions:
Familial dysautonomia. Also called: HSAN III; FD. Identifiers: Orphanet 1764, MedGen C0013364, MONDO:0009131, OMIM 223900. Disease mechanism: loss of function.

Submission:

Myriad Genetics, Inc.
Classification: Pathogenic for Familial dysautonomia. Last evaluated: 2023-09-05. Review status: criteria provided, single submitter. Criteria: Myriad Autosomal Dominant, Autosomal Recessive and X-Linked Classification Criteria (2023). Collection method: clinical testing. Allele origin: unknown.
Comment: NM_003640.3(ELP1):c.2631_2634delCTTG(L878Nfs*7) is expected to be pathogenic in the context of familial dysautonomia. This variant is predicted to lead to an abnormal or absent protein product due to the creation of a premature termination codon in ELP1, a gene where loss-of-function variants are known to be pathogenic. Please note: this variant was assessed in the context of healthy population screening.

NM_003640.5(ELP1):c.2631_2634del (p.Leu878fs)

Gene: ELP1 (elongator acetyltransferase complex subunit 1; minus strand). Cytogenetic location: 9q31.3.
Variant type: Deletion.
Coding change: c.2631_2634del on transcript NM_003640.5 (MANE Select); coding-DNA positions 2631 to 2634, 4 bases deleted (CTTG; older notation c.2631_2634delCTTG).
Protein change: p.Leu878fs; shifts the reading frame from leucine 878.
Molecular consequence: frameshift variant.
Genome position (GRCh38, 1-based): chr9:108,896,598-108,896,601, CAAG deleted on the plus strand (CTTG on the coding strand, the reverse complement: ELP1 is on the minus strand). VCF-style (leftmost placement, unchanged base first): chr9-108896597-TCAAG-T. GRCh37 (hg19) VCF-style: chr9-111658877-TCAAG-T.
Other names: c.2289_2292del, p.Leu764fs (NM_001318360.2); c.1584_1587del, p.Leu529fs (NM_001330749.2); short protein forms L529fs, L764fs, L878fs.
Identifiers: ClinVar variation 5011567 (VCV005011567.1).
Genomic context (GRCh38, chr9:108,896,597, plus strand): 5'-CATAGGTGCCAAGAGAATGATCATATAATTCATTAACATCTACCAGATGCAGCAAATATT[TCAAG>T]GCCTCTTCAGCACTCACAGCATCAGGATCAGAGGGAGCATTTCCTAACAGTGTTTAGAAA-3'